The following is an entry in ClinVar:

NM_015046.7(SETX):c.2921T>C (p.Ile974Thr)

Gene: SETX (senataxin; minus strand). Cytogenetic location: 9q34.13.
Variant type: single nucleotide variant.
Coding change: c.2921T>C on transcript NM_015046.7 (MANE Select); coding-DNA position 2921, T replaced by C.
Protein change: p.Ile974Thr; replaces isoleucine 974 with threonine.
Molecular consequence: missense variant.
Genome position (GRCh38, 1-based): chr9:132,328,677, A>G on the plus strand (T>C on the coding strand, the complement: SETX is on the minus strand). VCF-style: chr9-132328677-A-G. GRCh37 (hg19) VCF-style: chr9-135204064-A-G.
Other names: c.2921T>C, p.Ile974Thr (NM_001351527.2, NM_001351528.2); c.2921T>C (NM_015046.5); short protein forms I974T.
Identifiers: ClinVar variation 1058389 (VCV001058389.12), dbSNP rs765768857, ClinGen allele CA5297516.

ClinVar aggregate classification (germline): Conflicting classifications of pathogenicity. Review status: criteria provided, conflicting classifications (1 of 4 stars). 4 submissions from 4 submitters: Uncertain significance (3); Benign (1). Last evaluated 2025-06-18.

Conditions:
Inborn genetic diseases. Identifiers: MedGen C0950123, MeSH D030342.
Amyotrophic lateral sclerosis type 4 (ALS4). Also called: NEURONOPATHY, DISTAL HEREDITARY MOTOR, WITH PYRAMIDAL FEATURES; AMYOTROPHIC LATERAL SCLEROSIS 4, JUVENILE. Identifiers: Orphanet 357043, MedGen C1865409, MONDO:0011223, OMIM 602433.
Spinocerebellar ataxia, autosomal recessive, with axonal neuropathy 2 (SCAN2). Also called: Ataxia-ocular apraxia-2; ATAXIA-OCULOMOTOR APRAXIA 2; Ataxia with Oculomotor Apraxia; Ataxia with Oculomotor Apraxia Type 2. Identifiers: Orphanet 64753, MedGen C1853761, MONDO:0018996, OMIM 606002.

Allele frequency attached by ClinVar (database versions not stated): ExAC 0.00001; gnomAD 0.00001 and 0.00002; gnomAD exomes 0.00002; TOPMed 0.00002.
gnomAD v4.1: 23 of 1,613,654 alleles (0.0014%); highest among the groups gnomAD compares: East Asian, 0.0067%; no homozygotes.

Submissions (4):

Athena Diagnostics
Classification: Uncertain significance. Last evaluated: 2025-06-18. Review status: criteria provided, single submitter. Criteria: Athena Diagnostics Criteria. Collection method: clinical testing. Allele origin: unknown.
Comment: Available data are insufficient to determine the clinical significance of the variant at this time. The frequency of this variant in the general population is uninformative in assessment of its pathogenicity. This variant has been identified in at least one individual with clinical features associated with autosomal dominant juvenile amyotrophic lateral sclerosis. Polyphen and MutationTaster yielded discordant predictions regarding whether this amino acid change is damaging to the protein.

Women's Health and Genetics/Laboratory Corporation of America, LabCorp
Classification: Uncertain significance. Last evaluated: 2023-09-26. Review status: criteria provided, single submitter. Criteria: LabCorp Variant Classification Summary - May 2015. Collection method: clinical testing. Allele origin: germline.
Comment: Variant summary: SETX c.2921T>C (p.Ile974Thr) results in a non-conservative amino acid change in the encoded protein sequence. Four of five in-silico tools predict a benign effect of the variant on protein function. The variant allele was found at a frequency of 2.4e-05 in 250652 control chromosomes (gnomAD). The available data on variant occurrences in the general population are insufficient to allow any conclusion about variant significance. c.2921T>C has been reported in the literature in at least one individual affected with Amyotrophic Lateral Sclerosis (Couthouis_2014). The report does not provide unequivocal conclusions about association of the variant with Amyotrophic Lateral Sclerosis Type 4. To our knowledge, no experimental evidence demonstrating an impact on protein function has been reported. The following publication have been ascertained in the context of this evaluation (PMID: 25299611). Two submitters have cited clinical-significance assessments for this variant to ClinVar after 2014. One submitter classified the variant as benign, and one submitter classified the variant as uncertain significance. Based on the evidence outlined above, the variant was classified as uncertain significance.

Ambry Genetics
Classification: Uncertain significance for Inborn genetic diseases. Last evaluated: 2023-04-05. Review status: criteria provided, single submitter. Criteria: Ambry Variant Classification Scheme 2023. Collection method: clinical testing. Allele origin: germline.

Labcorp Genetics (formerly Invitae), Labcorp
Classification: Benign for Amyotrophic lateral sclerosis type 4; Spinocerebellar ataxia, autosomal recessive, with axonal neuropathy 2. Last evaluated: 2022-11-15. Review status: criteria provided, single submitter. Criteria: Invitae Variant Classification Sherloc (09022015). Collection method: clinical testing. Allele origin: germline.

Literature cited by the submitters: PubMed 25299611 (cited by 3 submitters).